The following is an entry in ClinVar:

Conditions:
Breast-ovarian cancer, familial, susceptibility to, 1 (BROVCA1). Also called: BRCA1 Hereditary Breast and Ovarian Cancer; OVARIAN CANCER, SUSCEPTIBILITY TO. Identifiers: Orphanet 145, MedGen C2676676, MONDO:0011450, OMIM 604370. Disease mechanism: loss of function.

Submission:

Brotman Baty Institute, University of Washington
No classification provided (evidence only). Condition: Breast-ovarian cancer, familial 1. Review status: no classification provided. Collection method: in vitro. Allele origin: not applicable. Functional consequence: functionally_abnormal.
ClinVar note: "not provided" was previously submitted as the classification for the variant. However, the classification appeared to be based only on an observation of functional data so it was converted to no classification on 2025-07-30.

NM_007294.4(BRCA1):c.5095C>G (p.Arg1699Gly)

Gene: BRCA1 (BRCA1 DNA repair associated; minus strand). Cytogenetic location: 17q21.31.
Variant type: single nucleotide variant.
Coding change: c.5095C>G on transcript NM_007294.4 (MANE Select); coding-DNA position 5095, C replaced by G.
Protein change: p.Arg1699Gly; replaces arginine 1699 with glycine.
Molecular consequence: missense variant. On other transcripts: non-coding transcript variant (1).
Genome position (GRCh38, 1-based): chr17:43,063,931, G>C on the plus strand (C>G on the coding strand, the complement: BRCA1 is on the minus strand). VCF-style: chr17-43063931-G-C. GRCh37 (hg19) VCF-style: chr17-41215948-G-C.
Other names: c.4882C>G, p.Arg1628Gly (NM_001407571.1, NM_001407899.1, NM_001407900.1 and 12 more transcripts); c.5161C>G, p.Arg1721Gly (NM_001407581.1, NM_001407582.1); c.5158C>G, p.Arg1720Gly (NM_001407583.1, NM_001407585.1, NM_001407587.1 and 1 more transcripts); c.5155C>G, p.Arg1719Gly (NM_001407590.1, NM_001407591.1); c.5095C>G, p.Arg1699Gly (NM_001407593.1, NM_001407594.1, NM_001407596.1 and 7 more transcripts); c.5092C>G, p.Arg1698Gly (NM_001407610.1, NM_001407611.1, NM_001407612.1 and 17 more transcripts); c.5089C>G, p.Arg1697Gly (NM_001407627.1, NM_001407628.1, NM_001407629.1 and 14 more transcripts); c.5083C>G, p.Arg1695Gly (NM_001407646.1); and 71 more; short protein forms R1699G, R1720G, R595G, R1652G, R1402G, R1403G, R1571G, R1572G.
Identifiers: ClinVar variation 869021 (VCV000869021.3), dbSNP rs55770810, ClinGen allele CA10591334.